The following continues an entry in ClinVar:

NM_001267550.2(TTN):c.60721G>C (p.Glu20241Gln)

ClinVar aggregate classification (germline): Conflicting classifications of pathogenicity. Uncertain significance (4); Benign (4); Likely benign (10).

Submissions 19 to 26 of 26:

PreventionGenetics, part of Exact Sciences
Classification: Likely benign for TTN-related condition. Last evaluated: 2020-03-27. Review status: no assertion criteria provided. Collection method: clinical testing. Allele origin: germline. Not counted in ClinVar's aggregate classification.
Comment: This variant is classified as likely benign based on ACMG/AMP sequence variant interpretation guidelines (Richards et al. 2015 PMID: 25741868, with internal and published modifications).

Clinical Genetics DNA and cytogenetics Diagnostics Lab, Erasmus MC, Erasmus Medical Center
Classification: Likely benign. Review status: no assertion criteria provided. Collection method: clinical testing. Allele origin: germline. Affected: yes. Study: VKGL Data-share Consensus. Not counted in ClinVar's aggregate classification.

Clinical Genetics, Academic Medical Center
Classification: Benign. Review status: no assertion criteria provided. Collection method: clinical testing. Allele origin: germline. Affected: yes. Study: VKGL Data-share Consensus. Not counted in ClinVar's aggregate classification.

Diagnostic Laboratory, Department of Genetics, University Medical Center Groningen
Classification: Likely benign. Review status: no assertion criteria provided. Collection method: clinical testing. Allele origin: germline. Affected: yes. Study: VKGL Data-share Consensus. Not counted in ClinVar's aggregate classification.

Genome Diagnostics Laboratory, University Medical Center Utrecht
Classification: Likely benign. Review status: no assertion criteria provided. Collection method: clinical testing. Allele origin: germline. Affected: yes. Study: VKGL Data-share Consensus. Not counted in ClinVar's aggregate classification.

Joint Genome Diagnostic Labs from Nijmegen and Maastricht, Radboudumc and MUMC+
Classification: Benign. Review status: no assertion criteria provided. Collection method: clinical testing. Allele origin: germline. Affected: yes. Study: VKGL Data-share Consensus. Not counted in ClinVar's aggregate classification.

Laboratory of Diagnostic Genome Analysis, Leiden University Medical Center (LUMC)
Classification: Likely benign. Review status: no assertion criteria provided. Collection method: clinical testing. Allele origin: germline. Affected: yes. Study: VKGL Data-share Consensus. Not counted in ClinVar's aggregate classification.

Practice for Gait Abnormalities, David Pomarino, Competency Network Toe Walking C/o Practice Pomarino
Classification: Likely pathogenic for Tip-toe gait. Review status: no assertion criteria provided. Collection method: clinical testing. Allele origin: germline. Affected: yes. Not counted in ClinVar's aggregate classification.
Comment: Myopathy refers to diseases that affect skeletal Muscles. These diseases attack muscle fibers, making muscles weak. Inherited myopathies are often caused by inheriting an abnormal gene mutation from a parent that causes the disease. Symptoms of congenital myopathies usually start at birth or in early childhood, but may not appear until the teen years or even later in adulthood. Congenital myopathies are somewhat unique compared with other inherited myopathies, as weakness typically affects all muscles and is often not progressive. Symptoms are: Muscle weakness, most commonly of upper arms and shoulders and thighs, muscle cramps, stiffness and spasms, fatigue with exertion and lack of energy. Our patients all walk on tiptoe, so they show similar symptoms. When we genetically test them with our toe walking panel, we find that around 90 per cent of them have a genetic variant that explains their toe walking. These can be assigned, for example, to the area of myopathies (such as variants of the COL6A3 gene), the area of hereditary neuropathies (such as variants of the KMT2C gene) or the area of metabolic diseases (such as variants of the PYGM gene). In a smaller group of patients with almost identical symptoms, no abnormality is found in the genes of our panel, but spastic paraplegia can be detected. In another small group of our toe walkers, no abnormalities can be detected in the genes analysed in our toe walking panel, nor do they suffer from spastic paraplegia, as is also the case with healthy children. In contrast to these, however, they show a tiptoe gait. These patients suffer from infantile cerebral palsy, in which toe walking can also be observed.

Literature cited by the submitters: PubMed 27662471 (cited by Mayo Clinic Laboratories, Mayo Clinic and Women's Health and Genetics/Laboratory Corporation of America, LabCorp); PubMed 37091313 (cited by Practice for Gait Abnormalities, David Pomarino, Competency Network Toe Walking C/o Practice Pomarino).